The following is an entry in ClinVar:

NM_014727.3(KMT2B):c.2020C>G (p.Pro674Ala)

Gene: KMT2B (lysine methyltransferase 2B; plus strand). Cytogenetic location: 19q13.12.
Variant type: single nucleotide variant.
Coding change: c.2020C>G on transcript NM_014727.3 (MANE Select); coding-DNA position 2020, C replaced by G.
Protein change: p.Pro674Ala; replaces proline 674 with alanine.
Molecular consequence: missense variant.
Genome position (GRCh38, 1-based): chr19:35,721,367, C>G. VCF-style: chr19-35721367-C-G. GRCh37 (hg19) VCF-style: chr19-36212269-C-G.
Other names: short protein forms P674A.
Identifiers: ClinVar variation 3692882 (VCV003692882.2).

ClinVar aggregate classification (germline): Uncertain significance (1 of 4 stars; one submission).

gnomAD v4.1: 3 of 1,596,266 alleles (0.00019%); highest among the groups gnomAD compares: East Asian, 0.0068%; no homozygotes.

Submission:

Labcorp Genetics (formerly Invitae), Labcorp
Classification: Uncertain significance. Last evaluated: 2024-04-15. Review status: criteria provided, single submitter. Criteria: Invitae Variant Classification Sherloc (09022015). Collection method: clinical testing. Allele origin: germline.
Comment: This sequence change replaces proline, which is neutral and non-polar, with alanine, which is neutral and non-polar, at codon 674 of the KMT2B protein (p.Pro674Ala). This variant is not present in population databases (gnomAD no frequency). This variant has not been reported in the literature in individuals affected with KMT2B-related conditions. Advanced modeling of protein sequence and biophysical properties (such as structural, functional, and spatial information, amino acid conservation, physicochemical variation, residue mobility, and thermodynamic stability) has been performed at Invitae for this missense variant, however the output from this modeling did not meet the statistical confidence thresholds required to predict the impact of this variant on KMT2B protein function. In summary, the available evidence is currently insufficient to determine the role of this variant in disease. Therefore, it has been classified as a Variant of Uncertain Significance.